The following is an entry in ClinVar:

NM_080552.3(SLC32A1):c.787G>A (p.Val263Met)

Gene: SLC32A1 (solute carrier family 32 member 1; plus strand). Cytogenetic location: 20q11.23.
Variant type: single nucleotide variant.
Coding change: c.787G>A on transcript NM_080552.3 (MANE Select); coding-DNA position 787, G replaced by A.
Protein change: p.Val263Met; replaces valine 263 with methionine.
Molecular consequence: missense variant.
Genome position (GRCh38, 1-based): chr20:38,727,848, G>A. VCF-style: chr20-38727848-G-A. GRCh37 (hg19) VCF-style: chr20-37356491-G-A.
Other names: c.787G>A (NM_080552.2); short protein forms V263M.
Identifiers: ClinVar variation 1329948 (VCV001329948.3), dbSNP rs2145649990, ClinGen allele CA408905110.
Genomic context (GRCh38, chr20:38,727,848, plus strand): 5'-TGGTCCATTATCGCCACGGCCGTGCTGCTGCCTTGCGCCTTCCTTAAGAACCTCAAGGCC[G>A]TGTCCAAGTTCAGTCTGCTGTGCACTCTGGCCCACTTCGTCATCAATATCCTGGTCATAG-3'
Protein context (NP_542119.1, residues 253-273): PCAFLKNLKA[Val263Met]SKFSLLCTLA

ClinVar aggregate classification (germline): Conflicting classifications of pathogenicity. Review status: criteria provided, conflicting classifications (1 of 4 stars). 3 submissions from 2 submitters: Likely pathogenic (1); Uncertain significance (1). 1 of the submissions does not count toward it. Last evaluated 2024-04-05.

Conditions:
Generalized epilepsy with febrile seizures plus, type 12. Also called: GEFS+, TYPE 12. Identifiers: MedGen C5935592, MONDO:0958324, OMIM 620755.
Developmental and epileptic encephalopathy 114. Identifiers: MedGen C5935598, MONDO:0958331, OMIM 620774.
Intellectual disability. Also called: intellectual disabilities; Intellectual functioning disability; Intellectual developmental disorder. Identifiers: MedGen C3714756, MeSH D008607, MONDO:0001071, HP:0001249.
Seizure. Also called: Seizures. Identifiers: MedGen C0036572, HP:0001250.

Submissions (3):

Institute of Human Genetics, University of Leipzig Medical Center
Classification: Uncertain significance for Generalized epilepsy with febrile seizures plus, type 12. Last evaluated: 2024-04-05. Review status: criteria provided, single submitter. Criteria: ACMG Guidelines, 2015. Collection method: clinical testing. Allele origin: de novo. Inheritance: Autosomal dominant inheritance. Affected: yes.
Comment: Criteria applied: PS2_SUP, PM2_SUP, PP3

Institute of Human Genetics, University of Leipzig Medical Center
Classification: Likely pathogenic for Intellectual disability; Seizure. Last evaluated: 2021-12-10. Review status: criteria provided, single submitter. Criteria: ACMG Guidelines, 2015. Collection method: research. Allele origin: de novo. Affected: yes.

OMIM
Classification: Pathogenic for DEVELOPMENTAL AND EPILEPTIC ENCEPHALOPATHY 114. Last evaluated: 2024-04-01. Review status: no assertion criteria provided. Collection method: literature only. Allele origin: germline. Not counted in ClinVar's aggregate classification.

Literature cited by the submitters: DOI 10.1101/2021.12.06.21267233 (cited by Institute of Human Genetics, University of Leipzig Medical Center); PubMed 36073542 (cited by OMIM).